The following is an entry in ClinVar:

ClinVar aggregate classification (germline): Uncertain significance (1 of 4 stars; one submission).

Submission:

GeneDx
Classification: Uncertain significance. Last evaluated: 2026-03-10. Review status: criteria provided, single submitter. Criteria: GeneDx Variant Classification Process June 2021. Collection method: clinical testing. Allele origin: germline.
Comment: Not observed at significant frequency in large population cohorts (gnomAD); In silico analysis suggests that this missense variant does not alter protein structure/function; Has not been previously published as pathogenic or benign to our knowledge

NM_001007553.3(CSDE1):c.648T>G (p.Phe216Leu)

Gene: CSDE1 (cold shock domain containing E1; minus strand). Cytogenetic location: 1p13.2.
Variant type: single nucleotide variant.
Coding change: c.648T>G on transcript NM_001007553.3 (MANE Select); coding-DNA position 648, T replaced by G.
Protein change: p.Phe216Leu; replaces phenylalanine 216 with leucine.
Molecular consequence: missense variant.
Genome position (GRCh38, 1-based): chr1:114,734,052, A>C on the plus strand (T>G on the coding strand, the complement: CSDE1 is on the minus strand). VCF-style: chr1-114734052-A-C. GRCh37 (hg19) VCF-style: chr1-115276673-A-C.
Other names: c.693T>G, p.Phe231Leu (NM_001130523.3); c.786T>G, p.Phe262Leu (NM_001242891.2); c.648T>G, p.Phe216Leu (NM_001242892.2); c.555T>G, p.Phe185Leu (NM_001242893.2, NM_007158.6); short protein forms F185L, F216L, F231L, F262L.
Identifiers: ClinVar variation 5009874 (VCV005009874.1).
Genomic context (GRCh38, chr1:114,734,052, plus strand): 5'-TCTGTCCTTGATTGTGAATTCCACATCATCGCCAGGCTGTAAGGTTTCTAAGTCACCCTT[A>C]AATTCACTATAGTGAAAGAATATCTCTTTTACAACATCACCTCTTTCAATAAAGCCAAAT-3'
Protein context (NP_001007554.1, residues 206-226): VKEIFFHYSE[Phe216Leu]KGDLETLQPG